The following is an entry in ClinVar:

ClinVar aggregate classification (germline): Uncertain significance (1 of 4 stars; one submission).

Conditions:
Cardiovascular phenotype. Identifiers: MedGen CN230736.

Submission:

Ambry Genetics
Classification: Uncertain significance for Cardiovascular phenotype. Last evaluated: 2021-02-08. Review status: criteria provided, single submitter. Criteria: Ambry Variant Classification Scheme 2023. Collection method: clinical testing. Allele origin: germline.
Comment: The c.422delA variant, located in coding exon 3 of the LAMA4 gene, results from a deletion of one nucleotide at nucleotide position 422, causing a translational frameshift with a predicted alternate stop codon (p.N141Ifs*57). This alteration is expected to result in premature protein truncation or nonsense-mediated mRNA decay. However, loss of function of LAMA4 has not been clearly established as a mechanism of disease. Since supporting evidence is limited at this time, the clinical significance of this alteration remains unclear.

NM_001105206.3(LAMA4):c.422del (p.Asn141fs)

Gene: LAMA4 (laminin subunit alpha 4; minus strand). Cytogenetic location: 6q21.
Variant type: Deletion.
Coding change: c.422del on transcript NM_001105206.3 (MANE Select); coding-DNA position 422, one base deleted (A; older notation c.422delA).
Protein change: p.Asn141fs; shifts the reading frame from asparagine 141.
Molecular consequence: frameshift variant.
Genome position (GRCh38, 1-based): chr6:112,207,021, T deleted on the plus strand (A on the coding strand, the reverse complement: LAMA4 is on the minus strand); the first of 2 consecutive T bases (chr6:112,207,021-112,207,022); deleting either gives the same sequence. VCF-style (leftmost placement, unchanged base first): chr6-112207020-CT-C. GRCh37 (hg19) VCF-style: chr6-112528221-CT-C.
Other names: c.422del, p.Asn141fs (NM_001105207.3, NM_002290.5); c.422delA (NM_002290.3); short protein forms N141fs.
Identifiers: ClinVar variation 1738884 (VCV001738884.2), dbSNP rs2547191258, ClinGen allele CA2580074789.